The following is an entry in ClinVar:

ClinVar aggregate classification (germline): Uncertain significance. Review status: criteria provided, multiple submitters, no conflicts (2 of 4 stars). 2 submissions from 2 submitters: Uncertain significance (2). Last evaluated 2022-07-03.

Conditions:
Inborn genetic diseases. Identifiers: MedGen C0950123, MeSH D030342.
Sulfite oxidase deficiency due to molybdenum cofactor deficiency type A. Also called: Molybdenum cofactor deficiency, complementation group A; Molybdenum Cofactor Deficiency A. Identifiers: Orphanet 308386, Orphanet 833, MedGen C1854988, MONDO:0009643, OMIM 252150.

Allele frequency attached by ClinVar (database versions not stated): gnomAD exomes below 0.00001; gnomAD 0.00001; TOPMed 0.00004; ESP Exome Variant Server 0.00008.
gnomAD v4.1: 7 of 1,612,726 alleles (0.00043%); highest among the groups gnomAD compares: Admixed American, 0.0017%; no homozygotes.

Submissions (2):

Labcorp Genetics (formerly Invitae), Labcorp
Classification: Uncertain significance for Sulfite oxidase deficiency due to molybdenum cofactor deficiency type A. Last evaluated: 2022-07-03. Review status: criteria provided, single submitter. Criteria: Invitae Variant Classification Sherloc (09022015). Collection method: clinical testing. Allele origin: germline.
Comment: This sequence change replaces glycine, which is neutral and non-polar, with serine, which is neutral and polar, at codon 118 of the MOCS1 protein (p.Gly118Ser). This variant is present in population databases (rs150060706, gnomAD 0.003%). This variant has not been reported in the literature in individuals affected with MOCS1-related conditions. ClinVar contains an entry for this variant (Variation ID: 1373126). Algorithms developed to predict the effect of missense changes on protein structure and function are either unavailable or do not agree on the potential impact of this missense change (SIFT: "Not Available"; PolyPhen-2: "Probably Damaging"; Align-GVGD: "Not Available"). In summary, the available evidence is currently insufficient to determine the role of this variant in disease. Therefore, it has been classified as a Variant of Uncertain Significance.

Ambry Genetics
Classification: Uncertain significance for Inborn genetic diseases. Last evaluated: 2022-04-28. Review status: criteria provided, single submitter. Criteria: Ambry Variant Classification Scheme 2023. Collection method: clinical testing. Allele origin: germline.

NM_001358530.2(MOCS1):c.352G>A (p.Gly118Ser)

Gene: MOCS1 (molybdenum cofactor synthesis 1; minus strand). Cytogenetic location: 6p21.2.
Variant type: single nucleotide variant.
Coding change: c.352G>A on transcript NM_001358530.2 (MANE Select); coding-DNA position 352, G replaced by A.
Protein change: p.Gly118Ser; replaces glycine 118 with serine.
Molecular consequence: missense variant. On other transcripts: non-coding transcript variant (1).
Genome position (GRCh38, 1-based): chr6:39,925,744, C>T on the plus strand (G>A on the coding strand, the complement: MOCS1 is on the minus strand). VCF-style: chr6-39925744-C-T. GRCh37 (hg19) VCF-style: chr6-39893488-C-T.
Other names: c.352G>A, p.Gly118Ser (NM_001075098.4, NM_001358529.2, NM_005943.6); c.91G>A, p.Gly31Ser (NM_001358531.2, NM_001358533.2, NM_001358534.2); c.352G>A (NM_005943.5); short protein forms G31S, G118S.
Identifiers: ClinVar variation 1373126 (VCV001373126.4), dbSNP rs150060706, ClinGen allele CA137655010.
Genomic context (GRCh38, chr6:39,925,744, plus strand): 5'-TGTCCACCACGTCCGGCCGGATAAGCGGCTCTCCACCTGTGAGCCGGATCTTGTCGATGC[C>T]TTCCTTCACAAAGAGCCGGGCGAGGGTCAGGATCTCCTCTGTGGTCAGCAGGTTGGCTTT-3'
Protein context (NP_001345459.1, residues 108-128): LTLARLFVKE[Gly118Ser]IDKIRLTGGE